The following is an entry in ClinVar:

NM_080680.3(COL11A2):c.1607G>A (p.Arg536Gln)

Gene: COL11A2 (collagen type XI alpha 2 chain; minus strand). Cytogenetic location: 6p21.32.
Variant type: single nucleotide variant.
Coding change: c.1607G>A on transcript NM_080680.3 (MANE Select); coding-DNA position 1607, G replaced by A.
Protein change: p.Arg536Gln; replaces arginine 536 with glutamine.
Molecular consequence: missense variant.
Genome position (GRCh38, 1-based): chr6:33,179,077, C>T on the plus strand (G>A on the coding strand, the complement: COL11A2 is on the minus strand). VCF-style: chr6-33179077-C-T. GRCh37 (hg19) VCF-style: chr6-33146854-C-T.
Other names: c.1286G>A, p.Arg429Gln (NM_080679.3); c.1349G>A, p.Arg450Gln (NM_080681.3); short protein forms R536Q, R429Q, R450Q.
Identifiers: ClinVar variation 191205 (VCV000191205.49), dbSNP rs770888294, ClinGen allele CA236250.

ClinVar aggregate classification (germline): Conflicting classifications of pathogenicity. Review status: criteria provided, conflicting classifications (1 of 4 stars). 4 submissions from 4 submitters: Uncertain significance (3); Likely benign (1). Last evaluated 2024-12-31.

Conditions:
Larsen-like syndrome, B3GAT3 type. Also called: Multiple joint dislocations, short stature, craniofacial dysmorphism, with or without congenital heart defects; MULTIPLE JOINT DISLOCATIONS, SHORT STATURE, AND CRANIOFACIAL DYSMORPHISM WITH OR WITHOUT CONGENITAL HEART DEFECTS. Identifiers: Orphanet 284139, MedGen CN034159, MONDO:0009511, OMIM 245600.

Allele frequency attached by ClinVar (database versions not stated): TOPMed 0.00002; gnomAD 0.00003 and 0.00004.

Submissions (4):

Labcorp Genetics (formerly Invitae), Labcorp
Classification: Likely benign. Last evaluated: 2024-12-31. Review status: criteria provided, single submitter. Criteria: Invitae Variant Classification Sherloc (09022015). Collection method: clinical testing. Allele origin: germline.

Women's Health and Genetics/Laboratory Corporation of America, LabCorp
Classification: Uncertain significance. Last evaluated: 2024-07-10. Review status: criteria provided, single submitter. Criteria: LabCorp Variant Classification Summary - May 2015. Collection method: clinical testing. Allele origin: germline.
Comment: Variant summary: COL11A2 c.1607G>A (p.Arg536Gln) results in a conservative amino acid change in the encoded protein sequence. Four of five in-silico tools predict a damaging effect of the variant on protein function. The variant allele was found at a frequency of 3.2e-05 in 250382 control chromosomes. The available data on variant occurrences in the general population are insufficient to allow any conclusion about variant significance. c.1607G>A has been reported in the literature in an individual affected with Severe short stature, Osteopenia, Joint laxity, Coxa valga, Scoliosis, Generalized joint laxity (example: AlAbdi_2023). These report(s) do not provide unequivocal conclusions about association of the variant with COL11A2-Related Disorders. To our knowledge, no experimental evidence demonstrating an impact on protein function has been reported. The following publication has been ascertained in the context of this evaluation (PMID: 37644014). ClinVar contains an entry for this variant (Variation ID: 191205). Based on the evidence outlined above, the variant was classified as uncertain significance.

CeGaT Center for Human Genetics Tuebingen
Classification: Uncertain significance. Last evaluated: 2018-04-01. Review status: criteria provided, single submitter. Criteria: CeGaT Center For Human Genetics Tuebingen Variant Classification Criteria Version 2. Collection method: clinical testing. Allele origin: germline. Affected: yes. Observed: 1 variant allele.

Genomic Medicine Center of Excellence, King Faisal Specialist Hospital and Research Centre
Classification: Uncertain significance for Larsen syndrome, autosomal recessive. Last evaluated: 2016-11-02. Review status: criteria provided, single submitter. Criteria: ACMG Guidelines, 2015. Collection method: research. Allele origin: germline. Inheritance: Autosomal recessive inheritance. Affected: yes. Observed: 1 variant allele.
Comment: Since this a published variant that causes autosomal recessive Larsen syndrome, we believe it is the most likely cause of the phenotype and we now reclassify our original COL11A2 variant into VOUS.

Literature cited by the submitters: PubMed 37644014 (cited by Women's Health and Genetics/Laboratory Corporation of America, LabCorp).